The following is an entry in ClinVar:

ClinVar aggregate classification (germline): Uncertain significance (1 of 4 stars; one submission).

Conditions:
Early-infantile DEE. Also called: Early infantile epileptic encephalopathy; Ohtahara syndrome; Early infantile epileptic encephalopathy with suppression bursts. Identifiers: Orphanet 1934, MedGen C0393706, MONDO:0800491.

Allele frequency attached by ClinVar (database versions not stated): gnomAD exomes below 0.00001; gnomAD 0.00001; 1000 Genomes Project 30x 0.00016; 1000 Genomes Project 0.00020.

Submission:

Labcorp Genetics (formerly Invitae), Labcorp
Classification: Uncertain significance for Early-infantile DEE. Last evaluated: 2023-11-10. Review status: criteria provided, single submitter. Criteria: Invitae Variant Classification Sherloc (09022015). Collection method: clinical testing. Allele origin: germline.
Comment: This sequence change replaces serine, which is neutral and polar, with glycine, which is neutral and non-polar, at codon 399 of the KCNQ2 protein (p.Ser399Gly). This variant is not present in population databases (gnomAD no frequency). This variant has not been reported in the literature in individuals affected with KCNQ2-related conditions. An algorithm developed to predict the effect of missense changes on protein structure and function (PolyPhen-2) suggests that this variant is likely to be tolerated. Algorithms developed to predict the effect of sequence changes on RNA splicing suggest that this variant may disrupt the consensus splice site. In summary, the available evidence is currently insufficient to determine the role of this variant in disease. Therefore, it has been classified as a Variant of Uncertain Significance.

NM_172107.4(KCNQ2):c.1195A>G (p.Ser399Gly)

Gene: KCNQ2 (potassium voltage-gated channel subfamily Q member 2; minus strand). Cytogenetic location: 20q13.33.
Variant type: single nucleotide variant.
Coding change: c.1195A>G on transcript NM_172107.4 (MANE Select); coding-DNA position 1195, A replaced by G.
Protein change: p.Ser399Gly; replaces serine 399 with glycine.
Molecular consequence: missense variant.
Genome position (GRCh38, 1-based): chr20:63,428,389, T>C on the plus strand (A>G on the coding strand, the complement: KCNQ2 is on the minus strand). VCF-style: chr20-63428389-T-C. GRCh37 (hg19) VCF-style: chr20-62059742-T-C.
Other names: c.1195A>G, p.Ser399Gly (NM_001382235.1, NM_172106.3, NM_172108.5); c.1165A>G, p.Ser389Gly (NM_004518.6); short protein forms S399G, S389G.
Identifiers: ClinVar variation 3006489 (VCV003006489.3), dbSNP rs544353748, ClinGen allele CA317445083.